The following is an entry in ClinVar:

ClinVar aggregate classification (germline): Uncertain significance (1 of 4 stars; one submission).

Submission:

GeneDx
Classification: Uncertain significance. Last evaluated: 2023-06-01. Review status: criteria provided, single submitter. Criteria: GeneDx Variant Classification Process June 2021. Collection method: clinical testing. Allele origin: germline. Affected: yes.
Comment: Not observed at significant frequency in large population cohorts (gnomAD); In silico analysis supports that this missense variant has a deleterious effect on protein structure/function; Has not been previously published as pathogenic or benign to our knowledge

NM_001291303.3(FAT4):c.4126A>G (p.Lys1376Glu)

Gene: FAT4 (FAT atypical cadherin 4; plus strand). Cytogenetic location: 4q28.1.
Variant type: single nucleotide variant.
Coding change: c.4126A>G on transcript NM_001291303.3 (MANE Select); coding-DNA position 4126, A replaced by G.
Protein change: p.Lys1376Glu; replaces lysine 1376 with glutamic acid.
Molecular consequence: missense variant.
Genome position (GRCh38, 1-based): chr4:125,320,537, A>G. VCF-style: chr4-125320537-A-G. GRCh37 (hg19) VCF-style: chr4-126241692-A-G.
Other names: c.4126A>G, p.Lys1376Glu (NM_001291285.3, NM_024582.6); short protein forms K1376E.
Identifiers: ClinVar variation 3359360 (VCV003359360.1).
Genomic context (GRCh38, chr4:125,320,537, plus strand): 5'-GGGACTAACAACCACGGAACTTTTAGCATTAGCCCAAACACTGGGAGTATTTTTCTTGCC[A>G]AAAAACTGGACTTTGAAACACAGTCTTTGTATAAATTAAATATAACAGCAAAAGACCAAG-3'
Protein context (NP_001278232.1, residues 1366-1386): SPNTGSIFLA[Lys1376Glu]KLDFETQSLY